The following is an entry in ClinVar:

ClinVar aggregate classification (germline): Likely benign (1 of 4 stars; one submission).

Allele frequency attached by ClinVar (database versions not stated): gnomAD exomes 0.00050 and 0.00157; ExAC 0.00191; gnomAD 0.00568 and 0.00603; TOPMed 0.00617; ESP Exome Variant Server 0.00630; 1000 Genomes Project 0.00839; 1000 Genomes Project 30x 0.00953.
gnomAD v4.1: 1,540 of 1,462,046 alleles (0.11%); highest among the groups gnomAD compares: African/African-American, 1.9%; 18 homozygotes.

Submission:

GeneDx
Classification: Likely benign. Last evaluated: 2018-06-16. Review status: criteria provided, single submitter. Criteria: GeneDx Variant Classification (06012015). Collection method: clinical testing. Allele origin: germline. Affected: yes.
Comment: This variant is considered likely benign or benign based on one or more of the following criteria: it is a conservative change, it occurs at a poorly conserved position in the protein, it is predicted to be benign by multiple in silico algorithms, and/or has population frequency not consistent with disease.

NM_003640.5(ELP1):c.1854+41C>T

Gene: ELP1 (elongator acetyltransferase complex subunit 1; minus strand). Cytogenetic location: 9q31.3.
Variant type: single nucleotide variant.
Coding change: c.1854+41C>T on transcript NM_003640.5 (MANE Select); 41 bases into the intron after coding-DNA position 1854, C replaced by T.
Molecular consequence: intron variant.
Genome position (GRCh38, 1-based): chr9:108,902,798, G>A on the plus strand (C>T on the coding strand, the complement: ELP1 is on the minus strand). VCF-style: chr9-108902798-G-A. GRCh37 (hg19) VCF-style: chr9-111665078-G-A.
Other names: c.1512+41C>T (NM_001318360.2); c.807+41C>T (NM_001330749.2).
Identifiers: ClinVar variation 678900 (VCV000678900.1), dbSNP rs116141575, ClinGen allele CA5174872.